The following is an entry in ClinVar:

ClinVar aggregate classification (germline): Uncertain significance (1 of 4 stars; one submission).

Conditions:
Hereditary cancer-predisposing syndrome. Also called: Neoplastic Syndromes, Hereditary; Tumor predisposition; Hereditary neoplastic syndrome; Hereditary Cancer Syndrome. Identifiers: Orphanet 140162, MedGen C0027672, MeSH D009386, MONDO:0015356.

Submission:

Ambry Genetics
Classification: Uncertain significance for Hereditary cancer-predisposing syndrome. Last evaluated: 2026-07-07. Review status: criteria provided, single submitter. Criteria: Ambry Variant Classification Scheme 2023. Collection method: clinical testing. Allele origin: germline.
Comment: The p.E66Q variant (also known as c.196G>C), located in coding exon 1 of the AXIN2 gene, results from a G to C substitution at nucleotide position 196. The glutamic acid at codon 66 is replaced by glutamine, an amino acid with highly similar properties. This amino acid position is conserved. In addition, the in silico prediction for this alteration is inconclusive. Based on the available evidence, the clinical significance of this variant remains unclear.

NM_004655.4(AXIN2):c.196G>C (p.Glu66Gln)

Gene: AXIN2 (axin 2; minus strand). Cytogenetic location: 17q24.1.
Variant type: single nucleotide variant.
Coding change: c.196G>C on transcript NM_004655.4 (MANE Select); coding-DNA position 196, G replaced by C.
Protein change: p.Glu66Gln; replaces glutamic acid 66 with glutamine.
Molecular consequence: missense variant.
Genome position (GRCh38, 1-based): chr17:65,558,425, C>G on the plus strand (G>C on the coding strand, the complement: AXIN2 is on the minus strand). VCF-style: chr17-65558425-C-G. GRCh37 (hg19) VCF-style: chr17-63554543-C-G.
Other names: c.196G>C, p.Glu66Gln (NM_001363813.1); short protein forms E66Q.
Identifiers: ClinVar variation 5032650 (VCV005032650.1).
Genomic context (GRCh38, chr17:65,558,425, plus strand): 5'-ATAAGGAGTGTAAGGACTTGGTCCACCGGGTCAGAGGGGAATCCGGAGATGCCCGCCCCT[C>G]CGGCTCCCCCAACCCATCTTCGTTCCGCCTGGTGTTGGAAGAGACAGGCATGGGTTTGGT-3'
Protein context (NP_004646.3, residues 56-76): RRNEDGLGEP[Glu66Gln]GRASPDSPLT